The following is an entry in ClinVar:

ClinVar aggregate classification (germline): Uncertain significance. Review status: criteria provided, multiple submitters, no conflicts (2 of 4 stars). 4 submissions from 4 submitters: Uncertain significance (3). 1 of the submissions does not count toward it. Last evaluated 2025-03-27.

Conditions:
Cutis laxa, autosomal dominant 3 (ADCL3). Identifiers: Orphanet 90348, MedGen C4225268, MONDO:0014706, OMIM 616603.
Autosomal dominant spastic paraplegia type 9. Identifiers: MedGen C1832669, MONDO:0015091.
de Barsy syndrome. Also called: Cutis laxa-corneal clouding-oligophrenia syndrome. Identifiers: Orphanet 2962, MedGen C0268354, MONDO:0017569.
ALDH18A1-related disorder. Also called: ALDH18A1-related disorders.

gnomAD v4.1: 15 of 1,614,142 alleles (0.00093%); highest among the groups gnomAD compares: East Asian, 0.011%; no homozygotes.

Submissions (4):

Labcorp Genetics (formerly Invitae), Labcorp
Classification: Uncertain significance for Autosomal dominant spastic paraplegia type 9; de Barsy syndrome; Cutis laxa, autosomal dominant 3. Last evaluated: 2025-03-27. Review status: criteria provided, single submitter. Criteria: Invitae Variant Classification Sherloc (09022015). Collection method: clinical testing. Allele origin: germline.
Comment: This sequence change replaces valine, which is neutral and non-polar, with isoleucine, which is neutral and non-polar, at codon 339 of the ALDH18A1 protein (p.Val339Ile). This variant is present in population databases (no rsID available, gnomAD 0.0009%). This variant has not been reported in the literature in individuals affected with ALDH18A1-related conditions. ClinVar contains an entry for this variant (Variation ID: 464037). Invitae Evidence Modeling of protein sequence and biophysical properties (such as structural, functional, and spatial information, amino acid conservation, physicochemical variation, residue mobility, and thermodynamic stability) indicates that this missense variant is not expected to disrupt ALDH18A1 protein function with a negative predictive value of 95%. In summary, the available evidence is currently insufficient to determine the role of this variant in disease. Therefore, it has been classified as a Variant of Uncertain Significance.

Mayo Clinic Laboratories, Mayo Clinic
Classification: Uncertain significance. Last evaluated: 2022-12-16. Review status: criteria provided, single submitter. Criteria: ACMG Guidelines, 2015. Collection method: clinical testing. Allele origin: germline. Observed: 1 variant allele.
Comment: BP4, PM2

Revvity Omics, Revvity
Classification: Uncertain significance. Last evaluated: 2021-12-22. Review status: criteria provided, single submitter. Criteria: ACMG Guidelines, 2015. Collection method: clinical testing. Allele origin: germline.

PreventionGenetics, part of Exact Sciences
Classification: Uncertain significance for ALDH18A1-related condition. Last evaluated: 2024-07-08. Review status: no assertion criteria provided. Collection method: clinical testing. Allele origin: germline. Not counted in ClinVar's aggregate classification.
Comment: The ALDH18A1 c.1015G>A variant is predicted to result in the amino acid substitution p.Val339Ile. To our knowledge, this variant has not been reported in the literature. This variant is reported in 0.00088% of alleles in individuals of European (Non-Finnish) descent in gnomAD. At this time, the clinical significance of this variant is uncertain due to the absence of conclusive functional and genetic evidence.

NM_002860.4(ALDH18A1):c.1015G>A (p.Val339Ile)

Gene: ALDH18A1 (aldehyde dehydrogenase 18 family member A1; minus strand). Cytogenetic location: 10q24.1.
Variant type: single nucleotide variant.
Coding change: c.1015G>A on transcript NM_002860.4 (MANE Select); coding-DNA position 1015, G replaced by A.
Protein change: p.Val339Ile; replaces valine 339 with isoleucine.
Molecular consequence: missense variant.
Genome position (GRCh38, 1-based): chr10:95,627,505, C>T on the plus strand (G>A on the coding strand, the complement: ALDH18A1 is on the minus strand). VCF-style: chr10-95627505-C-T. GRCh37 (hg19) VCF-style: chr10-97387262-C-T.
Other names: p.Val339Ile; c.1009G>A, p.Val337Ile (NM_001017423.2, NM_001323415.2); c.682G>A, p.Val228Ile (NM_001323412.2, NM_001323416.2); c.1015G>A, p.Val339Ile (NM_001323413.2, NM_001323414.2); c.910G>A, p.Val304Ile (NM_001323417.2); c.676G>A, p.Val226Ile (NM_001323418.2); c.379G>A, p.Val127Ile (NM_001323419.2); short protein forms V339I, V127I, V304I, V228I, V337I, V226I.
Identifiers: ClinVar variation 464037 (VCV000464037.15), dbSNP rs1346763871, ClinGen allele CA377703545.
Genomic context (GRCh38, chr10:95,627,505, plus strand): 5'-CAGGCTTTACTTCTGAAAAGAAGGTACCAACTTTCTTCCCCTCCACAATGTCTGTGATGA[C>T]GTGCCCAGACACCTTTGGGTGGGTTCCATTGGCAATAACAACAGAAGTGCCACCTTGCAA-3'
Protein context (NP_002851.2, residues 329-349): NGTHPKVSGH[Val339Ile]ITDIVEGKKV